The following is an entry in ClinVar:

NM_012280.4(FTSJ1):c.352del (p.Ala118fs)

Gene: FTSJ1 (FtsJ RNA 2'-O-methyltransferase 1; plus strand). Cytogenetic location: Xp11.23.
Variant type: Deletion.
Coding change: c.352del on transcript NM_012280.4 (MANE Select); coding-DNA position 352, one base deleted (G; older notation c.352delG).
Protein change: p.Ala118fs; shifts the reading frame from alanine 118.
Molecular consequence: frameshift variant.
Genome position (GRCh38, 1-based): chrX:48,479,107, G deleted; the last of 4 consecutive G bases (chrX:48,479,104-48,479,107); deleting any one gives the same sequence. VCF-style (leftmost placement, unchanged base first): chrX-48479103-CG-C. GRCh37 (hg19) VCF-style: chrX-48337491-CG-C.
Other names: c.-7delG (NM_001282157.2); c.352del, p.Ala118fs (NM_177439.3); short protein forms A118fs.
Identifiers: ClinVar variation 1732349 (VCV001732349.2), dbSNP rs2519384720, ClinGen allele CA2580101040.

ClinVar aggregate classification (germline): Pathogenic (1 of 4 stars; one submission).

Conditions:
Inborn genetic diseases. Identifiers: MedGen C0950123, MeSH D030342.

Submission:

Ambry Genetics
Classification: Pathogenic for Inborn genetic diseases. Last evaluated: 2020-06-10. Review status: criteria provided, single submitter. Criteria: Ambry Variant Classification Scheme 2023. Collection method: clinical testing. Allele origin: germline.
Comment: The c.352delG variant, located in coding exon 4 of the FTSJ1 gene, results from a deletion of one nucleotide at nucleotide position 352, causing a translational frameshift with a predicted alternate stop codon (p.A118Lfs*4). This alteration is expected to result in loss of function by premature protein truncation or nonsense-mediated mRNA decay. As such, this alteration is interpreted as a disease-causing mutation.